The following is an entry in ClinVar:

NM_181882.3(PRX):c.2960C>T (p.Pro987Leu)

Gene: PRX (periaxin; minus strand). Cytogenetic location: 19q13.2.
Variant type: single nucleotide variant.
Coding change: c.2960C>T on transcript NM_181882.3 (MANE Select); coding-DNA position 2960, C replaced by T.
Protein change: p.Pro987Leu; replaces proline 987 with leucine.
Molecular consequence: missense variant. On other transcripts: 3 prime UTR variant (1).
Genome position (GRCh38, 1-based): chr19:40,395,392, G>A on the plus strand (C>T on the coding strand, the complement: PRX is on the minus strand). VCF-style: chr19-40395392-G-A. GRCh37 (hg19) VCF-style: chr19-40901299-G-A.
Other names: c.3245C>T, p.Pro1082Leu (NM_001411127.1); c.*3165C>T (NM_020956.2); short protein forms P1082L, P987L.
Identifiers: ClinVar variation 1968257 (VCV001968257.9), dbSNP rs1189628697, ClinGen allele CA405895240.

ClinVar aggregate classification (germline): Uncertain significance. Review status: criteria provided, multiple submitters, no conflicts (2 of 4 stars). 2 submissions from 2 submitters: Uncertain significance (2). Last evaluated 2025-09-01.

Conditions:
Charcot-Marie-Tooth disease type 4. Also called: Charcot-Marie-Tooth, Type 4; Charcot-Marie-Tooth disease, type IV. Identifiers: Orphanet 64749, MedGen C4082197, MONDO:0018995.

Allele frequency attached by ClinVar (database versions not stated): gnomAD exomes below 0.00001; TOPMed below 0.00001; gnomAD 0.00001.
gnomAD v4.1: 3 of 1,613,754 alleles (0.00019%); highest among the groups gnomAD compares: African/African-American, 0.004%; no homozygotes.

Submissions (2):

CeGaT Center for Human Genetics Tuebingen
Classification: Uncertain significance. Last evaluated: 2025-09-01. Review status: criteria provided, single submitter. Criteria: CeGaT Center For Human Genetics Tuebingen Variant Classification Criteria Version 2. Collection method: clinical testing. Allele origin: germline. Affected: yes. Observed: 1 variant allele.
Comment: PRX: PM2

Labcorp Genetics (formerly Invitae), Labcorp
Classification: Uncertain significance for Charcot-Marie-Tooth disease type 4. Last evaluated: 2022-08-22. Review status: criteria provided, single submitter. Criteria: Invitae Variant Classification Sherloc (09022015). Collection method: clinical testing. Allele origin: germline.
Comment: This sequence change replaces proline, which is neutral and non-polar, with leucine, which is neutral and non-polar, at codon 987 of the PRX protein (p.Pro987Leu). This variant is present in population databases (no rsID available, gnomAD 0.008%). This variant has not been reported in the literature in individuals affected with PRX-related conditions. Algorithms developed to predict the effect of missense changes on protein structure and function (SIFT, PolyPhen-2, Align-GVGD) all suggest that this variant is likely to be disruptive. In summary, the available evidence is currently insufficient to determine the role of this variant in disease. Therefore, it has been classified as a Variant of Uncertain Significance.